The following is an entry in ClinVar:

ClinVar aggregate classification (germline): Uncertain significance (1 of 4 stars; one submission).

Conditions:
Hereditary cancer-predisposing syndrome. Also called: Neoplastic Syndromes, Hereditary; Tumor predisposition; Hereditary Cancer Syndrome; Hereditary neoplastic syndrome. Identifiers: Orphanet 140162, MedGen C0027672, MeSH D009386, MONDO:0015356.

Submission:

Ambry Genetics
Classification: Uncertain significance for Hereditary cancer-predisposing syndrome. Last evaluated: 2025-09-25. Review status: criteria provided, single submitter. Criteria: Ambry Variant Classification Scheme 2023. Collection method: clinical testing. Allele origin: germline.
Comment: The p.H1163P variant (also known as c.3488A>C), located in coding exon 28 of the EGFR gene, results from an A to C substitution at nucleotide position 3488. The histidine at codon 1163 is replaced by proline, an amino acid with similar properties. This amino acid position is conserved. In addition, this alteration is predicted to be tolerated by in silico analysis. Based on the available evidence, the clinical significance of this variant remains unclear.

NM_005228.5(EGFR):c.3488A>C (p.His1163Pro)

Gene: EGFR (epidermal growth factor receptor; plus strand). Cytogenetic location: 7p11.2.
Variant type: single nucleotide variant.
Coding change: c.3488A>C on transcript NM_005228.5 (MANE Select); coding-DNA position 3488, A replaced by C.
Protein change: p.His1163Pro; replaces histidine 1163 with proline.
Molecular consequence: missense variant.
Genome position (GRCh38, 1-based): chr7:55,205,472, A>C. VCF-style: chr7-55205472-A-C. GRCh37 (hg19) VCF-style: chr7-55273165-A-C.
Other names: c.3353A>C, p.His1118Pro (NM_001346899.2); c.3329A>C, p.His1110Pro (NM_001346900.2); c.2687A>C, p.His896Pro (NM_001346941.2); short protein forms H1118P, H1110P, H1163P, H896P.
Identifiers: ClinVar variation 4638535 (VCV004638535.1).